The following is an entry in ClinVar:

NM_001999.4(FBN2):c.5511A>G (p.Thr1837=)

Gene: FBN2 (fibrillin 2; minus strand). Cytogenetic location: 5q23.3.
Variant type: single nucleotide variant.
Coding change: c.5511A>G on transcript NM_001999.4 (MANE Select); coding-DNA position 5511, A replaced by G.
Protein change: p.Thr1837=; no amino-acid change (threonine 1837 retained).
Molecular consequence: synonymous variant.
Genome position (GRCh38, 1-based): chr5:128,305,860, T>C on the plus strand (A>G on the coding strand, the complement: FBN2 is on the minus strand). VCF-style: chr5-128305860-T-C. GRCh37 (hg19) VCF-style: chr5-127641552-T-C.
Other names: c.5511A>G (NM_001999.3).
Identifiers: ClinVar variation 2072639 (VCV002072639.7), dbSNP rs1749857634, ClinGen allele CA446306745.
Genomic context (GRCh38, chr5:128,305,860, plus strand): 5'-AGGACATACTTTATTCAGATTACCTTCACAAACCAACAGCAGGTCATTGTAACTGAATCC[T>C]GTAGGGCATTCACAGCGGAAACTGCCAATCTGGTTAATGCACACACCATTTGCACAAATG-3'
Protein context (NP_001990.2, residues 1827-1847): QIGSFRCECP[Thr1837=]GFSYNDLLLV

ClinVar aggregate classification (germline): Likely benign. Review status: criteria provided, multiple submitters, no conflicts (2 of 4 stars). 3 submissions from 3 submitters: Likely benign (2). 1 of the submissions does not count toward it. Last evaluated 2025-05-08.

Conditions:
Familial thoracic aortic aneurysm and aortic dissection (TAAD). Also called: Thoracic aortic aneurysms and dissections. Identifiers: Orphanet 91387, MedGen C4707243, MONDO:0019625.
Congenital contractural arachnodactyly (CCA). Also called: BEALS SYNDROME; Beals-Hecht syndrome; Arthrogryposis, distal, type 9. Identifiers: Orphanet 115, MedGen C0220668, MONDO:0007363, OMIM 121050.
FBN2-related disorder. Also called: FBN2-related condition.

Allele frequency attached by ClinVar (database versions not stated): gnomAD exomes below 0.00001; TOPMed below 0.00001.
gnomAD v4.1: 3 of 1,614,006 alleles (0.00019%); highest among the groups gnomAD compares: African/African-American, 0.0013%; no homozygotes.

Submissions (3):

Ambry Genetics
Classification: Likely benign for Familial thoracic aortic aneurysm and aortic dissection. Last evaluated: 2025-05-08. Review status: criteria provided, single submitter. Criteria: Ambry Variant Classification Scheme 2023. Collection method: clinical testing. Allele origin: germline.

Labcorp Genetics (formerly Invitae), Labcorp
Classification: Likely benign for Congenital contractural arachnodactyly. Last evaluated: 2022-10-01. Review status: criteria provided, single submitter. Criteria: Invitae Variant Classification Sherloc (09022015). Collection method: clinical testing. Allele origin: germline.

PreventionGenetics, part of Exact Sciences
Classification: Likely benign for FBN2-related condition. Last evaluated: 2021-02-03. Review status: no assertion criteria provided. Collection method: clinical testing. Allele origin: germline. Not counted in ClinVar's aggregate classification.
Comment: This variant is classified as likely benign based on ACMG/AMP sequence variant interpretation guidelines (Richards et al. 2015 PMID: 25741868, with internal and published modifications).